The following is an entry in ClinVar:

ClinVar aggregate classification (germline): Uncertain significance. Review status: criteria provided, multiple submitters, no conflicts (2 of 4 stars). 2 submissions from 2 submitters: Uncertain significance (2). Last evaluated 2026-08-17.

Conditions:
Epilepsy, familial focal, with variable foci 3 (FFEVF3). Identifiers: MedGen C4310708, MONDO:0014925, OMIM 617118.
Inborn genetic diseases. Identifiers: MedGen C0950123, MeSH D030342.

Allele frequency attached by ClinVar (database versions not stated): gnomAD exomes below 0.00001; ExAC 0.00001.

Submissions (2):

Ambry Genetics
Classification: Uncertain significance for Inborn genetic diseases. Last evaluated: 2026-08-17. Review status: criteria provided, single submitter. Criteria: Ambry Variant Classification Scheme 2023. Collection method: clinical testing. Allele origin: germline.

Labcorp Genetics (formerly Invitae), Labcorp
Classification: Uncertain significance for Epilepsy, familial focal, with variable foci 3. Last evaluated: 2022-03-19. Review status: criteria provided, single submitter. Criteria: Invitae Variant Classification Sherloc (09022015). Collection method: clinical testing. Allele origin: germline.
Comment: ClinVar contains an entry for this variant (Variation ID: 859415). Experimental studies and prediction algorithms are not available or were not evaluated, and the functional significance of this variant is currently unknown. In summary, the available evidence is currently insufficient to determine the role of this variant in disease. Therefore, it has been classified as a Variant of Uncertain Significance. This sequence change replaces serine, which is neutral and polar, with asparagine, which is neutral and polar, at codon 31 of the NPRL3 protein (p.Ser31Asn). This variant is present in population databases (rs780716774, gnomAD 0.001%). This variant has not been reported in the literature in individuals affected with NPRL3-related conditions.

NM_001077350.3(NPRL3):c.92G>A (p.Ser31Asn)

Genes: HBA-LCR (alpha-globin locus control region; plus strand), NPRL3 (NPR3 like, GATOR1 complex subunit; minus strand). Cytogenetic location: 16p13.3.
Variant type: single nucleotide variant.
Coding change: c.92G>A on transcript NM_001077350.3 (MANE Select); coding-DNA position 92, G replaced by A.
Protein change: p.Ser31Asn; replaces serine 31 with asparagine.
Molecular consequence: missense variant. On other transcripts: 5 prime UTR variant (2).
Genome position (GRCh38, 1-based): chr16:138,176, C>T on the plus strand (G>A on the coding strand, the complement: NPRL3 is on the minus strand). VCF-style: chr16-138176-C-T. GRCh37 (hg19) VCF-style: chr16-188175-C-T.
Other names: c.-241G>A (NM_001039476.3); c.-280G>A (NM_001243247.2); c.92G>A, p.Ser31Asn (NM_001243248.2, NM_001243249.2); short protein forms S31N.
Identifiers: ClinVar variation 859415 (VCV000859415.10), dbSNP rs780716774, ClinGen allele CA7769805.